The following is an entry in ClinVar:

NM_000053.4(ATP7B):c.2305A>G (p.Met769Val)

Gene: ATP7B (ATPase copper transporting beta; minus strand). Cytogenetic location: 13q14.3.
Variant type: single nucleotide variant.
Coding change: c.2305A>G on transcript NM_000053.4 (MANE Select); coding-DNA position 2305, A replaced by G.
Protein change: p.Met769Val; replaces methionine 769 with valine.
Molecular consequence: missense variant. On other transcripts: intron variant (2).
Genome position (GRCh38, 1-based): chr13:51,958,361, T>C on the plus strand (A>G on the coding strand, the complement: ATP7B is on the minus strand). VCF-style: chr13-51958361-T-C. GRCh37 (hg19) VCF-style: chr13-52532497-T-C.
Other names: c.1972A>G, p.Met658Val (NM_001243182.2); c.2053A>G, p.Met685Val (NM_001330579.2); c.1870-754A>G (NM_001005918.3); c.2122-754A>G (NM_001330578.2); short protein forms M769V, M685V, M658V.
Identifiers: ClinVar variation 35706 (VCV000035706.81), dbSNP rs193922103, ClinGen allele CA171300.

ClinVar aggregate classification (germline): Pathogenic. Review status: criteria provided, multiple submitters, no conflicts (2 of 4 stars). 23 submissions from 23 submitters: Pathogenic (23). Last evaluated 2026-07-27.

Conditions:
ATP7B-related disorder. Also called: ATP7B-related condition.
Inborn genetic diseases. Identifiers: MedGen C0950123, MeSH D030342.
Wilson disease (WND). Also called: Wilson's disease. Identifiers: Orphanet 905, MedGen C0019202, MONDO:0010200, OMIM 277900. Disease mechanism: loss of function.

Allele frequency attached by ClinVar (database versions not stated): gnomAD 0.00014 and 0.00015; ExAC 0.00007; ESP Exome Variant Server 0.00016; gnomAD exomes 0.00007 and 0.00027; TOPMed 0.00011.

Submissions 1 to 9 of 23:

PreventionGenetics, part of Exact Sciences
Classification: Pathogenic for ATP7B-related condition. Last evaluated: 2026-07-27. Review status: criteria provided, single submitter. Criteria: ACMG Guidelines, 2015. Collection method: clinical testing. Allele origin: germline.
Comment: The ATP7B c.2305A>G variant is predicted to result in the amino acid substitution p.Met769Val. This variant has been reported in both the compound heterozygous state and homozygous state in several individuals with clinical and biochemical characteristics consistent with Wilson disease (see for examples: Nicastro et al. 2008. PubMed ID: 19118915; supplemental, Coffey et al. 2013. PubMed ID: 23518715; Petters et al. 2020. PubMed ID: 32028086; Panzer et al. 2022. PubMed ID: 35271763). In vitro studies have demonstrated that expression of this variant partially impacts copper transport and results in hyperphosphorylation (Huster et al. 2012. PubMed ID: 22240481). This variant is reported in 0.016% of alleles in individuals of European (non-Finnish) descent in gnomAD, and has been consistently been classified as pathogenic by several submitters to the ClinVar database (Variation ID: 35706). Additionally, different missense changes impacting the same amino acid (p.Met769Arg, p.Met769Ile, p.Met769Thr) have been reported in individuals with Wilson disease, suggesting the p.Met769 residue is important for ATP7B function (Curtis et al. 1999. PubMed ID: 10502777; Okada et al. 2000. PubMed ID: 10790207; Qian et al. 2019. PubMed ID: 30884209). Taken together, the c.2305A>G (p.Met769Val) variant is interpreted as pathogenic.

CeGaT Center for Human Genetics Tuebingen
Classification: Pathogenic. Last evaluated: 2026-03-01. Review status: criteria provided, single submitter. Criteria: CeGaT Center For Human Genetics Tuebingen Variant Classification Criteria Version 2. Collection method: clinical testing. Allele origin: germline. Affected: yes. Observed: 5 variant alleles.
Comment: ATP7B: PM3:Strong, PM1, PM2, PM5, PP3, PS3:Supporting

Labcorp Genetics (formerly Invitae), Labcorp
Classification: Pathogenic for Wilson disease. Last evaluated: 2026-01-18. Review status: criteria provided, single submitter. Criteria: Invitae Variant Classification Sherloc (09022015). Collection method: clinical testing. Allele origin: germline.
Comment: This sequence change replaces methionine, which is neutral and non-polar, with valine, which is neutral and non-polar, at codon 769 of the ATP7B protein (p.Met769Val). This variant is present in population databases (rs193922103, gnomAD 0.01%). This missense change has been observed in individual(s) with Wilson disease (PMID: 7626145, 11690702, 19118915, 20517649, 21610751). In at least one individual the data is consistent with being in trans (on the opposite chromosome) from a pathogenic variant. ClinVar contains an entry for this variant (Variation ID: 35706). Invitae Evidence Modeling of protein sequence and biophysical properties (such as structural, functional, and spatial information, amino acid conservation, physicochemical variation, residue mobility, and thermodynamic stability) indicates that this missense variant is expected to disrupt ATP7B protein function with a positive predictive value of 80%. Experimental studies have shown that this missense change affects ATP7B function (PMID: 9837819, 22240481). For these reasons, this variant has been classified as Pathogenic.

Natera, Inc.
Classification: Pathogenic for Wilson disease. Last evaluated: 2025-10-10. Review status: criteria provided, single submitter. Criteria: Natera Variant Classification Schema (03/2026). Collection method: clinical testing. Allele origin: germline.
Comment: The c.2305A>G variant in ATP7B is a missense variant predicted to cause substitution of methionine to valine at amino acid 769. This variant is rare in the general population with a frequency below the threshold expected for the associated phenotype(s). This variant has been observed in one or more individuals affected with the associated recessive disease, as either homozygous or compound heterozygous with a second variant (PMID: 21610751, 33159804, 19118915). Computational prediction algorithms indicate this variant is likely to affect gene or protein function. Given the available evidence, this variant is classified as Pathogenic.

Mayo Clinic Laboratories, Mayo Clinic
Classification: Pathogenic. Last evaluated: 2025-07-17. Review status: criteria provided, single submitter. Criteria: ACMG Guidelines, 2015. Collection method: clinical testing. Allele origin: germline. Observed: 7 variant alleles.
Comment: PP3_moderate, PP4, PM1, PM2_supporting, PM3, PM5, PS4

All of Us Research Program, National Institutes of Health
Classification: Pathogenic for Wilson disease. Last evaluated: 2024-09-23. Review status: criteria provided, single submitter. Criteria: ACMG Guidelines, 2015. Collection method: clinical testing. Allele origin: germline. Inheritance: Autosomal recessive inheritance. Observed: 64 variant alleles, 64 heterozygotes.
Comment: This missense variant replaces methionine with valine at codon 769 of the ATP7B protein. Computational prediction suggests that this variant may have deleterious impact on protein structure and function (internally defined REVEL score threshold >= 0.7, PMID: 27666373). Functional studies have shown conflicting results on this variant's impact on copper transport activity (PMID: 9837819, 10942420, 12557139, 18203200, 17717039, 22240481, 22806248). This variant has been reported in individuals affected with Wilson disease (PMID: 10502777, 11405812, 11690702, 15202786, 17449133, 17949296, 19118915, 20082719, 20517649, 21610751, 23518715, 23982005, 27022412, 27706781, 29321352, 29431110, 31980526, 33159804, 33640437, 34400371). In a number of these individuals, this variant was confirmed to be in the compound heterozygous state (PMID: 29321352, 33159804, 33640437) or the homozygous state (PMID: 19118915, 22806248, 32028086). This variant has been identified in 20/280946 chromosomes in the general population by the Genome Aggregation Database (gnomAD). Based on the available evidence, this variant is classified as Pathogenic.

This study involves interpretation of variants in research participants for the purpose of population health screening. Participant phenotype was not available at the time of variant classification. Additional details can be found in publication PMID: 35346344, PMCID: PMC8962531

Lildballe Lab, Aarhus University Hospital
Classification: Pathogenic for Wilson disease. Last evaluated: 2024-08-29. Review status: criteria provided, single submitter. Criteria: ACMG Guidelines, 2015. Collection method: clinical testing. Allele origin: germline. Affected: yes.
Comment: PP5, PM1, PM5, PP3, PM2

Department of Human Genetics, Hannover Medical School
Classification: Pathogenic for Wilson disease. Last evaluated: 2024-05-27. Review status: criteria provided, single submitter. Criteria: ACMG Guidelines, 2015. Collection method: clinical testing. Allele origin: germline. Affected: yes.

ARUP Laboratories, Molecular Genetics and Genomics, ARUP Laboratories
Classification: Pathogenic for Wilson disease. Last evaluated: 2024-05-07. Review status: criteria provided, single submitter. Criteria: ARUP Molecular Germline Variant Investigation Process 2024. Collection method: clinical testing. Allele origin: germline.
Comment: The ATP7B c.2305A>G; p.Met769Val variant (rs193922103) is reported in the literature in the compound heterozygous or homozygous state in multiple individuals affected with Wilson disease (Caca 2001, Curtis 1999, Garcia-Villarreal 2000, Moller 2011, Nicastro 2009, Weiss 2010, Wu 2001). This variant is reported as pathogenic by multiple laboratories in ClinVar (Variation ID: 35706), and is found in the non-Finnish European population with an allele frequency of 0.016% (20/128,686 alleles) in the Genome Aggregation Database (v2.1.1). Computational analyses predict that this variant is deleterious (REVEL: 0.906). Functional analyses of the variant protein show reduced copper transport activity (Forbes and Cox 1998, Huster 2012). Based on available information, this variant is considered to be pathogenic. References: Caca K et al. High prevalence of the H1069Q mutation in East German patients with Wilson disease: rapid detection of mutations by limited sequencing and phenotype-genotype analysis. J Hepatol. 2001 Nov;35(5):575-81. PMID:11690702. Curtis D et al. A study of Wilson disease mutations in Britain. Hum Mutat. 1999;14(4):304-11. PMID: 10502777. Forbes JR and Cox DW et al. Functional characterization of missense mutations in ATP7B: Wilson disease mutation or normal variant? Am J Hum Genet. 1998 Dec;63(6):1663-74. PMID: 9837819. Garcia-Villarreal L et al. High prevalence of the very rare Wilson disease gene mutation Leu708Pro in the Island of Gran Canaria (Canary Islands, Spain): a genetic and clinical study. Hepatology. 2000 Dec;32(6):1329-36. PMID: 11093740. Huster D et al. Diverse functional properties of Wilson disease ATP7B variants. Gastroenterology. 2012 Apr;142(4):947-956.e5. PMID: 22240481. Moller LB et al. Clinical presentation and mutations in Danish patients with Wilson disease. Eur J Hum Genet. 2011 Sep;19(9):935-41. PMID: 21610751. Nicastro E et al. Genotype-phenotype correlation in Italian children with Wilson's disease. J Hepatol. 2009 Mar;50(3):555-61. PMID: 19118915. Weiss KH et al. Genetic analysis of BIRC4/XIAP as a putative modifier gene of Wilson disease. J Inherit Metab Dis. 2010 Dec;33 Suppl 3:S233-40. PMID: 20517649. Wu ZY et al. Mutation analysis and the correlation between genotype and phenotype of Arg778Leu mutation in chinese patients with Wilson disease. Arch Neurol. 2001 Jun;58(6):971-6. PMID: 11405812.